The following is an entry in ClinVar:

ClinVar aggregate classification (germline): Uncertain significance (1 of 4 stars; one submission).

Submission:

Labcorp Genetics (formerly Invitae), Labcorp
Classification: Uncertain significance. Last evaluated: 2025-01-29. Review status: criteria provided, single submitter. Criteria: Invitae Variant Classification Sherloc (09022015). Collection method: clinical testing. Allele origin: germline.
Comment: This sequence change replaces glutamic acid, which is acidic and polar, with alanine, which is neutral and non-polar, at codon 1788 of the FN1 protein (p.Glu1788Ala). This variant is not present in population databases (gnomAD no frequency). This variant has not been reported in the literature in individuals affected with FN1-related conditions. An algorithm developed to predict the effect of missense changes on protein structure and function (PolyPhen-2) suggests that this variant is likely to be disruptive. In summary, the available evidence is currently insufficient to determine the role of this variant in disease. Therefore, it has been classified as a Variant of Uncertain Significance.

NM_212482.4(FN1):c.5363A>C (p.Glu1788Ala)

Gene: FN1 (fibronectin 1; minus strand). Cytogenetic location: 2q35.
Variant type: single nucleotide variant.
Coding change: c.5363A>C on transcript NM_212482.4 (MANE Select); coding-DNA position 5363, A replaced by C.
Protein change: p.Glu1788Ala; replaces glutamic acid 1788 with alanine.
Molecular consequence: missense variant. On other transcripts: intron variant (10).
Genome position (GRCh38, 1-based): chr2:215,380,882, T>G on the plus strand (A>C on the coding strand, the complement: FN1 is on the minus strand). VCF-style: chr2-215380882-T-G. GRCh37 (hg19) VCF-style: chr2-216245605-T-G.
Other names: c.5363A>C, p.Glu1788Ala (NM_001306129.2); c.5090A>C, p.Glu1697Ala (NM_001365518.2, NM_001365520.2, NM_001365524.2 and 2 more transcripts); c.4891+1330A>C (NM_212474.3, NM_001306132.2, NM_001365523.2 and 2 more transcripts); c.5164+1330A>C (NM_001306130.2, NM_001365522.2, NM_001365519.2 and 2 more transcripts); short protein forms E1697A, E1788A.
Identifiers: ClinVar variation 3725711 (VCV003725711.2).
Genomic context (GRCh38, chr2:215,380,882, plus strand): 5'-GTTCCAATCAGGGGCTGGCTCTCCATATCATCGTGCAAGGCAACCACACTGACTGTGTAC[T>G]CAGAACCCGGTCTGAGGCCTTGCAGCTCTGCAGTGTCTTCTTCACCATCAGGTGCAGGGA-3'
Protein context (NP_997647.2, residues 1778-1798): AELQGLRPGS[Glu1788Ala]YTVSVVALHD